The following is an entry in ClinVar:

NM_001330288.2(SMARCC2):c.1926+1G>T

Gene: SMARCC2 (SWI/SNF related BAF chromatin remodeling complex subunit C2; minus strand). Cytogenetic location: 12q13.2.
Variant type: single nucleotide variant.
Coding change: c.1926+1G>T on transcript NM_001330288.2 (MANE Select); the canonical splice donor site of the intron after coding-DNA position 1926, G replaced by T.
Molecular consequence: splice donor variant.
Genome position (GRCh38, 1-based): chr12:56,172,427, C>A on the plus strand (G>T on the coding strand, the complement: SMARCC2 is on the minus strand). VCF-style: chr12-56172427-C-A. GRCh37 (hg19) VCF-style: chr12-56566211-C-A.
Other names: c.1833+1G>T (NM_003075.5); c.1926+1G>T (NM_139067.4, NM_001130420.3).
Identifiers: ClinVar variation 522824 (VCV000522824.8), dbSNP rs1555221275, ClinGen allele CA385344742.
Genomic context (GRCh38, chr12:56,172,427, plus strand): 5'-CCTCTACACGGAGCCCACTTCTGTTTTCAGAGAAAAACTCTCTTTTCTTTGCCCCAATTA[C>A]CTCCAGGAGAAGCAGGGTTTCCTGTTCTGTCCACTCACGAGTGGCACTGGCTGCAGCCTT-3'

ClinVar aggregate classification (germline): Pathogenic/Likely pathogenic. Review status: criteria provided, multiple submitters, no conflicts (2 of 4 stars). 3 submissions from 3 submitters: Pathogenic (1); Likely pathogenic (1). 1 of the submissions does not count toward it. Last evaluated 2026-06-30.

Conditions:
Coffin-Siris syndrome 8. Identifiers: MedGen C5193054, MONDO:0032702, OMIM 618362.
SMARCC2-related BAFopathy.

Submissions (3):

Undiagnosed Diseases Network, NIH
Classification: Pathogenic for Coffin-Siris syndrome 8. Last evaluated: 2026-06-30. Review status: criteria provided, single submitter. Criteria: ACMG Guidelines, 2015. Collection method: clinical testing. Allele origin: unknown. Inheritance: Autosomal dominant inheritance. Affected: yes. Observed: 1 variant allele, 1 heterozygote. Study: Undiagnosed Diseases Network (NIH), UDN.

Baylor Genetics
Classification: Likely pathogenic for SMARCC2-related BAFopathy. Last evaluated: 2021-06-10. Review status: criteria provided, single submitter. Criteria: ACMG Guidelines, 2015. Collection method: clinical testing. Allele origin: unknown. Affected: yes.

GeneReviews
No classification provided. Condition: Coffin-Siris syndrome 8. Review status: no classification provided. Collection method: literature only. Allele origin: germline. Not counted in ClinVar's aggregate classification.
Comment: Recurrent de novo splicing variant; affected persons have developmental delays, minimal or absent speech, and hypotonia.

Literature cited by the submitters: PubMed 30580808 (cited by Undiagnosed Diseases Network, NIH and GeneReviews); PubMed 23556151 (cited by GeneReviews).